The following is an entry in ClinVar:

ClinVar aggregate classification (germline): Uncertain significance (1 of 4 stars; one submission).

Conditions:
Malignant hyperthermia, susceptibility to, 5 (MHS5). Also called: CACNA1S-Related Malignant Hyperthermia Susceptibility. Identifiers: Orphanet 423, MedGen C1866077, MONDO:0011163, OMIM 601887.

gnomAD v4.1: 2 of 1,614,220 alleles (0.00012%); highest among the groups gnomAD compares: East Asian, 0.0045%; no homozygotes.

Submission:

All of Us Research Program, National Institutes of Health
Classification: Uncertain significance for Malignant hyperthermia, susceptibility to, 5. Last evaluated: 2023-03-28. Review status: criteria provided, single submitter. Criteria: ACMG Guidelines, 2015. Collection method: clinical testing. Allele origin: germline. Inheritance: Autosomal dominant inheritance. Observed: 1 variant allele, 1 heterozygote.
Comment: This study involves interpretation of variants in research participants for the purpose of population health screening. Participant phenotype was not available at the time of variant classification. Additional details can be found in publication PMID: 35346344, PMCID: PMC8962531

NM_000069.3(CACNA1S):c.3087G>T (p.Glu1029Asp)

Gene: CACNA1S (calcium voltage-gated channel subunit alpha1 S; minus strand). Cytogenetic location: 1q32.1.
Variant type: single nucleotide variant.
Coding change: c.3087G>T on transcript NM_000069.3 (MANE Select); coding-DNA position 3087, G replaced by T.
Protein change: p.Glu1029Asp; replaces glutamic acid 1029 with aspartic acid.
Molecular consequence: missense variant.
Genome position (GRCh38, 1-based): chr1:201,061,435, C>A on the plus strand (G>T on the coding strand, the complement: CACNA1S is on the minus strand). VCF-style: chr1-201061435-C-A. GRCh37 (hg19) VCF-style: chr1-201030563-C-A.
Other names: short protein forms E1029D.
Identifiers: ClinVar variation 3069942 (VCV003069942.1), dbSNP rs1661045420, ClinGen allele CA344162806.
Genomic context (GRCh38, chr1:201,061,435, plus strand): 5'-GATGTAGATGATGAAGAAGATGGCCATCTCCACACGGTTGTTGTAGATGGGACCCACGTC[C>A]TCCGCATTGGAGTCTATGGCCTTGTACAGCAGCCTGGGGGTGGGCAGAGAAGAGAGGACA-3'
Protein context (NP_000060.2, residues 1019-1039): LLYKAIDSNA[Glu1029Asp]DVGPIYNNRV